The following is an entry in ClinVar:

ClinVar aggregate classification (germline): Uncertain significance (1 of 4 stars; one submission).

Conditions:
Retinitis pigmentosa 59 (RP59). Identifiers: Orphanet 791, MedGen C3151227, MONDO:0013468, OMIM 613861.

Submission:

Labcorp Genetics (formerly Invitae), Labcorp
Classification: Uncertain significance for Retinitis pigmentosa 59. Last evaluated: 2023-08-17. Review status: criteria provided, single submitter. Criteria: Invitae Variant Classification Sherloc (09022015). Collection method: clinical testing. Allele origin: germline.
Comment: Advanced modeling of protein sequence and biophysical properties (such as structural, functional, and spatial information, amino acid conservation, physicochemical variation, residue mobility, and thermodynamic stability) performed at Invitae indicates that this missense variant is not expected to disrupt DHDDS protein function. In summary, the available evidence is currently insufficient to determine the role of this variant in disease. Therefore, it has been classified as a Variant of Uncertain Significance. This variant has not been reported in the literature in individuals affected with DHDDS-related conditions. This sequence change replaces phenylalanine, which is neutral and non-polar, with leucine, which is neutral and non-polar, at codon 31 of the DHDDS protein (p.Phe31Leu). This variant is not present in population databases (gnomAD no frequency).

NM_205861.3(DHDDS):c.91T>C (p.Phe31Leu)

Gene: DHDDS (dehydrodolichyl diphosphate synthase subunit; plus strand). Cytogenetic location: 1p36.11.
Variant type: single nucleotide variant.
Coding change: c.91T>C on transcript NM_205861.3 (MANE Select); coding-DNA position 91, T replaced by C.
Protein change: p.Phe31Leu; replaces phenylalanine 31 with leucine.
Molecular consequence: missense variant. On other transcripts: 5 prime UTR variant (1).
Genome position (GRCh38, 1-based): chr1:26,438,195, T>C. VCF-style: chr1-26438195-T-C. GRCh37 (hg19) VCF-style: chr1-26764686-T-C.
Other names: c.91T>C, p.Phe31Leu (NM_001243564.2, NM_001243565.2, NM_024887.4); c.-212T>C (NM_001319959.2); short protein forms F31L.
Identifiers: ClinVar variation 2744417 (VCV002744417.3), dbSNP rs2524465417, ClinGen allele CA339138558.